The following continues an entry in ClinVar:

NM_000540.3(RYR1):c.6617C>T (p.Thr2206Met)

Gene: RYR1. ClinVar aggregate classification (germline): Pathogenic. Pathogenic (1).

Submissions 24 to 31 of 31:

Human Genome Sequencing Center Clinical Lab, Baylor College of Medicine
Classification: Pathogenic for malignant hyperthermia susceptibility. Last evaluated: 2019-06-13. Review status: criteria provided, single submitter. Criteria: ACMG Guidelines, 2015. Collection method: clinical testing. Allele origin: unknown. Not counted in ClinVar's aggregate classification.
Comment: The c.6617C>T (p.Thr2206Met) variant in the RYR1 gene, that encodes ryanodine receptor 1, has been identified in numerous unrelated individuals (>50) with personal or family history of a malignant hyperthermia reaction and a positive in-vitro contracture test (IVCT) or caffeine halothane contracture test (CHCT) result (PMID: 30236257, 12059893, 24433488, 23558838, 10484775, 25735680, 25960145, 16163667, 11575529, 12220451, 12434264, 15731587, 17081152, 18505122, 22696611, 9497245, 25268394, 31559918, ClinGen Review [ClinVar ID:12977]). This variant segregates with malignant hyperthermia syndrome (MHS) in nine individuals (PMID: 12059893, 25960145).This missense variant resides in a mutational hot spot region that contributes to MHS (PMID: 21118704). A functional study in HEK293 cells shows an increased sensitivity to RYR1 agonists (PMID: 27586648). In-silico computational prediction tools suggest that the p.Thr2206Met variant may have deleterious effect on the protein function (REVEL score: 0.95). This variant has been interpreted as pathogenic by several submitters in ClinVar database including the ClinGen expert panel (ClinVar ID: 12977). Therefore, the c.6617C>T (p.Thr2206Met) variant in the RYR1 gene is classified as pathogenic.

Genetic Services Laboratory, University of Chicago
Classification: Pathogenic. Last evaluated: 2015-11-23. Review status: criteria provided, single submitter. Criteria: ACMG Guidelines, 2015. Collection method: clinical testing. Allele origin: germline. Affected: yes. Not counted in ClinVar's aggregate classification.

Juno Genomics, Hangzhou Juno Genomics, Inc
Classification: Pathogenic for Malignant hyperthermia, susceptibility to, 1. Review status: criteria provided, single submitter. Criteria: ACMG Guidelines, 2015. Collection method: clinical testing. Allele origin: germline. Not counted in ClinVar's aggregate classification.
Comment: The prevalence of the variant in affected individuals is significantly increased compared to the prevalence in controls.;Well-established in vitro or in vivo functional studies supportive of a damaging effect on the gene or gene product.;Located in a mutational hot spot and/or critical and well-established functional domain without benign variation.;Co-segregation with disease in multiple affected family members.;Multiple lines of computational evidence support a deleterious effect on the gene or gene product.;Observed in a healthy adult individual for a recessive/dominant/X-linked disorder with full penetrance.

Clinical Genetics Laboratory, University Hospital Schleswig-Holstein
Classification: Pathogenic for Malignant hyperthermia, susceptibility to, 1. Last evaluated: 2021-12-01. Review status: no assertion criteria provided. Collection method: clinical testing. Allele origin: germline. Affected: yes. Not counted in ClinVar's aggregate classification.

Genomic Medicine Center of Excellence, King Faisal Specialist Hospital and Research Centre
Classification: Likely pathogenic for Ptosis; Sacral agenesis; History of neonatal hypotonia. Last evaluated: 2014-12-01. Review status: no assertion criteria provided. Criteria: research. Collection method: research. Allele origin: germline. Affected: yes. Not counted in ClinVar's aggregate classification.

OMIM
Classification: risk factor for MALIGNANT HYPERTHERMIA, SUSCEPTIBILITY TO, 1. Last evaluated: 2002-08-01. Review status: no assertion criteria provided. Collection method: literature only. Allele origin: germline. Not counted in ClinVar's aggregate classification.

OMIM
Classification: Pathogenic for KING-DENBOROUGH SYNDROME. Last evaluated: 2002-08-01. Review status: no assertion criteria provided. Collection method: literature only. Allele origin: germline. Not counted in ClinVar's aggregate classification.

RYR1 database
No classification provided. Review status: no classification provided. Collection method: not provided. Allele origin: unknown. Not counted in ClinVar's aggregate classification.

Literature cited by the submitters: PubMed 9497245 (cited by 8 submitters); PubMed 12220451 (cited by 9 submitters); PubMed 16835904 (cited by Labcorp Genetics (formerly Invitae), Labcorp); PubMed 19648156 (cited by 3 submitters); PubMed 19919814 (cited by 3 submitters); PubMed 23558838 (cited by 5 submitters); PubMed 23919265 (cited by 3 submitters); PubMed 24433488 (cited by 5 submitters); PubMed 25960145 (cited by 4 submitters); PubMed 16084090 (cited by Labcorp Genetics (formerly Invitae), Labcorp and Johns Hopkins Genomics, Johns Hopkins University); PubMed 27586648 (cited by 6 submitters); PubMed 12059893 (cited by Variantyx, Inc. and All of Us Research Program, National Institutes of Health); PubMed 10484775 (cited by 4 submitters); PubMed 30236257 (cited by 4 submitters); PubMed 21118704 (cited by 3 submitters); PubMed 25735680 (cited by Variantyx, Inc. and All of Us Research Program, National Institutes of Health); PubMed 16163667 (cited by Variantyx, Inc. and All of Us Research Program, National Institutes of Health); PubMed 11575529 (cited by 3 submitters); PubMed 12434264 (cited by Variantyx, Inc. and All of Us Research Program, National Institutes of Health); PubMed 15731587 (cited by Variantyx, Inc. and All of Us Research Program, National Institutes of Health); PubMed 17081152 (cited by Variantyx, Inc. and All of Us Research Program, National Institutes of Health); PubMed 18505122 (cited by 3 submitters); PubMed 22696611 (cited by Variantyx, Inc. and All of Us Research Program, National Institutes of Health); PubMed 25268394 (cited by Variantyx, Inc. and All of Us Research Program, National Institutes of Health); PubMed 31559918 (cited by Variantyx, Inc. and All of Us Research Program, National Institutes of Health); PubMed 27855725 (cited by Victorian Clinical Genetics Services, Murdoch Childrens Research Institute); PubMed 30406384 (cited by Victorian Clinical Genetics Services, Murdoch Childrens Research Institute); PubMed 31206373 (cited by 3 submitters); PubMed 16244001 (cited by Ambry Genetics); PubMed 25558065 (cited by Laboratory for Molecular Medicine, Mass General Brigham Personalized Medicine and Genomic Medicine Center of Excellence, King Faisal Specialist Hospital and Research Centre); PubMed 21514828 (cited by OMIM).